The following is an entry in ClinVar:

NM_004364.5(CEBPA):c.1037C>G (p.Pro346Arg)

Gene: CEBPA (CCAAT enhancer binding protein alpha; minus strand). Cytogenetic location: 19q13.11.
Variant type: single nucleotide variant.
Coding change: c.1037C>G on transcript NM_004364.5 (MANE Select); coding-DNA position 1037, C replaced by G.
Protein change: p.Pro346Arg; replaces proline 346 with arginine.
Molecular consequence: missense variant.
Genome position (GRCh38, 1-based): chr19:33,301,378, G>C on the plus strand (C>G on the coding strand, the complement: CEBPA is on the minus strand). VCF-style: chr19-33301378-G-C. GRCh37 (hg19) VCF-style: chr19-33792284-G-C.
Other names: c.680C>G, p.Pro227Arg (NM_001285829.2); c.1142C>G, p.Pro381Arg (NM_001287424.2); c.995C>G, p.Pro332Arg (NM_001287435.2); c.1037C>G (NM_004364.3); short protein forms P346R, P227R, P332R, P381R.
Identifiers: ClinVar variation 948039 (VCV000948039.11), dbSNP rs1967157361, ClinGen allele CA405273673.
Genomic context (GRCh38, chr19:33,301,378, plus strand): 5'-CGGTCCCACAGCCGCGCGCCTCACGCGCAGTTGCCCATGGCCTTGACCAAGGAGCTCTCT[G>C]GCAGCTGGCGGAAGATGCCCCGCAGCGTGTCCAGTTCGCGGCTCAGCTGTTCCACCCGCT-3'
Protein context (NP_004355.2, residues 336-356): DTLRGIFRQL[Pro346Arg]ESSLVKAMGN

ClinVar aggregate classification (germline): Uncertain significance. Review status: criteria provided, multiple submitters, no conflicts (2 of 4 stars). 2 submissions from 2 submitters: Uncertain significance (2). Last evaluated 2025-07-28.

Conditions:
Inborn genetic diseases. Identifiers: MedGen C0950123, MeSH D030342.
Acute myeloid leukemia (AML). Also called: Acute myeloid leukemia, adult; AML adult; Acute non-lymphocytic leukemia; Acute granulocytic leukemia; Leukemia, acute myelogenous, somatic; Leukemia, acute myeloid, somatic. Identifiers: Orphanet 519, MedGen C0023467, MeSH D015470, MONDO:0018874, OMIM 601626, HP:0004808. Disease mechanism: Constitutively activated FLT3.

Allele frequency attached by ClinVar (database versions not stated): gnomAD exomes below 0.00001.

Submissions (2):

Ambry Genetics
Classification: Uncertain significance for Inborn genetic diseases. Last evaluated: 2025-07-28. Review status: criteria provided, single submitter. Criteria: Ambry Variant Classification Scheme 2023. Collection method: clinical testing. Allele origin: germline.
Comment: The p.P346R variant (also known as c.1037C>G), located in coding exon 1 of the CEBPA gene, results from a C to G substitution at nucleotide position 1037. The proline at codon 346 is replaced by arginine, an amino acid with dissimilar properties. This amino acid position is conserved. In addition, the in silico prediction for this alteration is inconclusive. Based on the available evidence, the clinical significance of this variant remains unclear.

Labcorp Genetics (formerly Invitae), Labcorp
Classification: Uncertain significance for Acute myeloid leukemia. Last evaluated: 2024-10-14. Review status: criteria provided, single submitter. Criteria: Invitae Variant Classification Sherloc (09022015). Collection method: clinical testing. Allele origin: germline.
Comment: This sequence change replaces proline, which is neutral and non-polar, with arginine, which is basic and polar, at codon 346 of the CEBPA protein (p.Pro346Arg). This variant is not present in population databases (gnomAD no frequency). This variant has not been reported in the literature in individuals affected with CEBPA-related conditions. ClinVar contains an entry for this variant (Variation ID: 948039). Invitae Evidence Modeling of protein sequence and biophysical properties (such as structural, functional, and spatial information, amino acid conservation, physicochemical variation, residue mobility, and thermodynamic stability) indicates that this missense variant is expected to disrupt CEBPA protein function with a positive predictive value of 80%. In summary, the available evidence is currently insufficient to determine the role of this variant in disease. Therefore, it has been classified as a Variant of Uncertain Significance.